The following is an entry in ClinVar:

NM_000210.4(ITGA6):c.55C>T (p.Arg19Trp)

Gene: ITGA6 (integrin subunit alpha 6; plus strand). Cytogenetic location: 2q31.1.
Variant type: single nucleotide variant.
Coding change: c.55C>T on transcript NM_000210.4 (MANE Select); coding-DNA position 55, C replaced by T.
Protein change: p.Arg19Trp; replaces arginine 19 with tryptophan.
Molecular consequence: missense variant. On other transcripts: intron variant (1).
Genome position (GRCh38, 1-based): chr2:172,427,843, C>T. VCF-style: chr2-172427843-C-T. GRCh37 (hg19) VCF-style: chr2-173292571-C-T.
Other names: c.55C>T (NM_000210.2, NM_000210.3); c.55C>T, p.Arg19Trp (NM_001079818.3, NM_001365529.2, NM_001365530.2 and 1 more transcripts); c.-161+373C>T (NM_001316306.2); short protein forms R19W.
Identifiers: ClinVar variation 2200802 (VCV002200802.6), dbSNP rs150472149, ClinGen allele CA1967703.

ClinVar aggregate classification (germline): Uncertain significance. Review status: criteria provided, multiple submitters, no conflicts (2 of 4 stars). 5 submissions from 5 submitters: Uncertain significance (5). Last evaluated 2025-10-08.

Conditions:
ITGA6-related disorder. Also called: ITGA6-related condition.
Epidermolysis bullosa, junctional 6, with pyloric atresia. Also called: ITGA6-Related Epidermolysis Bullosa with Pyloric Atresia. Identifiers: MedGen C5676957, MONDO:0859233, OMIM 619817.
Inborn genetic diseases. Identifiers: MedGen C0950123, MeSH D030342.

Allele frequency attached by ClinVar (database versions not stated): gnomAD exomes 0.00006; ExAC 0.00010; TOPMed 0.00015; gnomAD 0.00018; ESP Exome Variant Server 0.00031.
gnomAD v4.1: 124 of 1,605,540 alleles (0.0077%); highest among the groups gnomAD compares: Middle Eastern, 0.12%; no homozygotes.

Submissions (5):

PreventionGenetics, part of Exact Sciences
Classification: Uncertain significance for ITGA6-related condition. Last evaluated: 2025-10-08. Review status: criteria provided, single submitter. Criteria: ACMG Guidelines, 2015. Collection method: clinical testing. Allele origin: germline.
Comment: The ITGA6 c.55C>T variant is predicted to result in the amino acid substitution p.Arg19Trp. To our knowledge, this variant has not been reported in the literature. This variant is reported in 0.080% of alleles in individuals of Ashkenazi Jewish descent in gnomAD, which is likely too common for an undocumented disease-causing variant. Although we suspect that this variant may be benign, at this time, the clinical significance of this variant is uncertain due to the absence of conclusive functional and genetic evidence.

Ambry Genetics
Classification: Uncertain significance for Inborn genetic diseases. Last evaluated: 2024-11-08. Review status: criteria provided, single submitter. Criteria: Ambry Variant Classification Scheme 2023. Collection method: clinical testing. Allele origin: germline.

Fulgent Genetics
Classification: Uncertain significance for Epidermolysis bullosa, junctional 6, with pyloric atresia. Last evaluated: 2024-03-10. Review status: criteria provided, single submitter. Criteria: ACMG Guidelines, 2015. Collection method: clinical testing. Allele origin: germline.

Labcorp Genetics (formerly Invitae), Labcorp
Classification: Uncertain significance. Last evaluated: 2022-08-19. Review status: criteria provided, single submitter. Criteria: Invitae Variant Classification Sherloc (09022015). Collection method: clinical testing. Allele origin: germline.
Comment: This sequence change replaces arginine, which is basic and polar, with tryptophan, which is neutral and slightly polar, at codon 19 of the ITGA6 protein (p.Arg19Trp). This variant is present in population databases (rs150472149, gnomAD 0.09%). This variant has not been reported in the literature in individuals affected with ITGA6-related conditions. Algorithms developed to predict the effect of missense changes on protein structure and function output the following: SIFT: "Deleterious"; PolyPhen-2: "Not Available"; Align-GVGD: "Class C0". The tryptophan amino acid residue is found in multiple mammalian species, which suggests that this missense change does not adversely affect protein function. In summary, the available evidence is currently insufficient to determine the role of this variant in disease. Therefore, it has been classified as a Variant of Uncertain Significance.

Department of Pathology and Laboratory Medicine, Sinai Health System
Classification: Uncertain significance for Epidermolysis bullosa, junctional 6, with pyloric atresia. Last evaluated: 2022-01-28. Review status: criteria provided, single submitter. Criteria: ACMG Guidelines, 2015. Collection method: research. Allele origin: germline.